The following is an entry in ClinVar:

ClinVar aggregate classification (germline): Uncertain significance (1 of 4 stars; one submission).

Conditions:
Hereditary cancer-predisposing syndrome. Also called: Tumor predisposition; Hereditary Cancer Syndrome; Hereditary neoplastic syndrome; Neoplastic Syndromes, Hereditary. Identifiers: Orphanet 140162, MedGen C0027672, MeSH D009386, MONDO:0015356.

Submission:

Ambry Genetics
Classification: Uncertain significance for Hereditary cancer-predisposing syndrome. Last evaluated: 2023-09-05. Review status: criteria provided, single submitter. Criteria: Ambry Variant Classification Scheme 2023. Collection method: clinical testing. Allele origin: germline.
Comment: The p.P359A variant (also known as c.1075C>G), located in coding exon 9 of the TSC1 gene, results from a C to G substitution at nucleotide position 1075. The proline at codon 359 is replaced by alanine, an amino acid with highly similar properties. This amino acid position is conserved. In addition, this alteration is predicted to be deleterious by in silico analysis. Since supporting evidence is limited at this time, the clinical significance of this alteration remains unclear.

NM_000368.5(TSC1):c.1075C>G (p.Pro359Ala)

Gene: TSC1 (TSC complex subunit 1; minus strand). Cytogenetic location: 9q34.13.
Variant type: single nucleotide variant.
Coding change: c.1075C>G on transcript NM_000368.5 (MANE Select); coding-DNA position 1075, C replaced by G.
Protein change: p.Pro359Ala; replaces proline 359 with alanine.
Molecular consequence: missense variant. On other transcripts: non-coding transcript variant (5).
Genome position (GRCh38, 1-based): chr9:132,911,068, G>C on the plus strand (C>G on the coding strand, the complement: TSC1 is on the minus strand). VCF-style: chr9-132911068-G-C. GRCh37 (hg19) VCF-style: chr9-135786455-G-C.
Other names: c.1075C>G, p.Pro359Ala (NM_001162426.2, NM_001406592.1, NM_001406593.1 and 16 more transcripts); c.922C>G, p.Pro308Ala (NM_001162427.2, NM_001406610.1, NM_001406611.1 and 2 more transcripts); c.712C>G, p.Pro238Ala (NM_001362177.2, NM_001406614.1, NM_001406615.1 and 10 more transcripts); c.124C>G, p.Pro42Ala (NM_001406626.1, NM_001406627.1, NM_001406628.1); c.25C>G, p.Pro9Ala (NM_001406629.1, NM_001406630.1); short protein forms P42A, P308A, P359A, P9A, P238A.
Identifiers: ClinVar variation 2625216 (VCV002625216.2), dbSNP rs2131961491, ClinGen allele CA375367662.
Genomic context (GRCh38, chr9:132,911,068, plus strand): 5'-TACCAAAGACTTTACTGTAAGGGTGTGACAGATCAGGTGGGACATTTCCAGGAGAAGTTG[G>C]AGGAGTGGTCATACCACAAACCATAGATGGGCTCCAAAGAGTAGCCTGGGAAGTTAATAA-3'
Protein context (NP_000359.1, residues 349-369): PSMVCGMTTP[Pro359Ala]TSPGNVPPDL